The following is an entry in ClinVar:

ClinVar aggregate classification (germline): Uncertain significance. Review status: criteria provided, single submitter (1 of 4 stars). 2 submissions from 2 submitters: Uncertain significance (1). 1 of the submissions does not count toward it. Last evaluated 2022-07-29.

Conditions:
Hypouricemia, renal, 2. Also called: HYPOURICEMIA, RENAL, 2, AUTOSOMAL RECESSIVE; HYPOURICEMIA, RENAL, 2, AUTOSOMAL DOMINANT. Identifiers: MedGen C2677549, MONDO:0012793, OMIM 612076.

Allele frequency attached by ClinVar (database versions not stated): ExAC 0.00006; gnomAD 0.00007; TOPMed 0.00009.
gnomAD v4.1: 33 of 1,614,028 alleles (0.002%); highest among the groups gnomAD compares: African/African-American, 0.02%; no homozygotes.

Submissions (2):

Labcorp Genetics (formerly Invitae), Labcorp
Classification: Uncertain significance. Last evaluated: 2022-07-29. Review status: criteria provided, single submitter. Criteria: Invitae Variant Classification Sherloc (09022015). Collection method: clinical testing. Allele origin: germline.
Comment: In summary, the available evidence is currently insufficient to determine the role of this variant in disease. Therefore, it has been classified as a Variant of Uncertain Significance. Algorithms developed to predict the effect of missense changes on protein structure and function output the following: SIFT: "Tolerated"; PolyPhen-2: "Benign"; Align-GVGD: "Class C0". The threonine amino acid residue is found in multiple mammalian species, which suggests that this missense change does not adversely affect protein function. This variant has not been reported in the literature in individuals affected with SLC2A9-related conditions. This variant is present in population databases (rs766425306, gnomAD 0.03%). This sequence change replaces alanine, which is neutral and non-polar, with threonine, which is neutral and polar, at codon 181 of the SLC2A9 protein (p.Ala181Thr).

Chinese Inherited Urolithiasis Consortium, The Affiliated Yantai Yuhuangding Hospital of Qingdao University
Classification: Likely pathogenic for Hypouricemia, renal, 2. Last evaluated: 2024-08-26. Review status: no assertion criteria provided. Collection method: clinical testing. Allele origin: maternal. Affected: yes. Observed: 1 variant allele. Not counted in ClinVar's aggregate classification.

NM_020041.3(SLC2A9):c.541G>A (p.Ala181Thr)

Gene: SLC2A9 (solute carrier family 2 member 9; minus strand). Cytogenetic location: 4p16.1.
Variant type: single nucleotide variant.
Coding change: c.541G>A on transcript NM_020041.3 (MANE Select); coding-DNA position 541, G replaced by A.
Protein change: p.Ala181Thr; replaces alanine 181 with threonine.
Molecular consequence: missense variant.
Genome position (GRCh38, 1-based): chr4:9,980,732, C>T on the plus strand (G>A on the coding strand, the complement: SLC2A9 is on the minus strand). VCF-style: chr4-9980732-C-T. GRCh37 (hg19) VCF-style: chr4-9982356-C-T.
Other names: c.454G>A, p.Ala152Thr (NM_001001290.2); short protein forms A152T, A181T.
Identifiers: ClinVar variation 2148495 (VCV002148495.5), dbSNP rs766425306, ClinGen allele CA2857180.